The following is an entry in ClinVar:

ClinVar aggregate classification (germline): Uncertain significance (1 of 4 stars; one submission).

Conditions:
Hereditary cancer-predisposing syndrome. Also called: Tumor predisposition; Neoplastic Syndromes, Hereditary; Hereditary neoplastic syndrome; Hereditary Cancer Syndrome. Identifiers: Orphanet 140162, MedGen C0027672, MeSH D009386, MONDO:0015356.

Submission:

Ambry Genetics
Classification: Uncertain significance for Hereditary cancer-predisposing syndrome. Last evaluated: 2024-08-19. Review status: criteria provided, single submitter. Criteria: Ambry Variant Classification Scheme 2023. Collection method: clinical testing. Allele origin: germline.
Comment: The p.E49K variant (also known as c.145G>A), located in coding exon 2 of the SDHAF2 gene, results from a G to A substitution at nucleotide position 145. The glutamic acid at codon 49 is replaced by lysine, an amino acid with similar properties. This amino acid position is conserved. In addition, the in silico prediction for this alteration is inconclusive. Based on the available evidence, the clinical significance of this variant remains unclear.

NM_017841.4(SDHAF2):c.145G>A (p.Glu49Lys)

Gene: SDHAF2 (succinate dehydrogenase complex assembly factor 2; plus strand). Cytogenetic location: 11q12.2.
Variant type: single nucleotide variant.
Coding change: c.145G>A on transcript NM_017841.4 (MANE Select); coding-DNA position 145, G replaced by A.
Protein change: p.Glu49Lys; replaces glutamic acid 49 with lysine.
Molecular consequence: missense variant.
Genome position (GRCh38, 1-based): chr11:61,437,733, G>A. VCF-style: chr11-61437733-G-A. GRCh37 (hg19) VCF-style: chr11-61205205-G-A.
Other names: short protein forms E49K.
Identifiers: ClinVar variation 3438731 (VCV003438731.1).